The following is an entry in ClinVar:

ClinVar aggregate classification (germline): Uncertain significance (1 of 4 stars; one submission).

Conditions:
Muscular dystrophy-dystroglycanopathy (congenital with brain and eye anomalies), type A13. Also called: WALKER-WARBURG SYNDROME OR MUSCLE-EYE-BRAIN DISEASE, B3GNT1-RELATED; Muscular dystrophy-dystroglycanopathy (congenital with brain and eye anomalies), type a, 13. Identifiers: Orphanet 899, MedGen C3809042, MONDO:0014120, OMIM 615287.

Submission:

Labcorp Genetics (formerly Invitae), Labcorp
Classification: Uncertain significance for Muscular dystrophy-dystroglycanopathy (congenital with brain and eye anomalies), type A13. Last evaluated: 2023-10-03. Review status: criteria provided, single submitter. Criteria: Invitae Variant Classification Sherloc (09022015). Collection method: clinical testing. Allele origin: germline.
Comment: This sequence change replaces methionine, which is neutral and non-polar, with valine, which is neutral and non-polar, at codon 230 of the B4GAT1 protein (p.Met230Val). This variant is not present in population databases (gnomAD no frequency). This variant has not been reported in the literature in individuals affected with B4GAT1-related conditions. ClinVar contains an entry for this variant (Variation ID: 580290). Advanced modeling of protein sequence and biophysical properties (such as structural, functional, and spatial information, amino acid conservation, physicochemical variation, residue mobility, and thermodynamic stability) performed at Invitae indicates that this missense variant is not expected to disrupt B4GAT1 protein function. In summary, the available evidence is currently insufficient to determine the role of this variant in disease. Therefore, it has been classified as a Variant of Uncertain Significance.

NM_006876.3(B4GAT1):c.688A>G (p.Met230Val)

Gene: B4GAT1 (beta-1,4-glucuronyltransferase 1; minus strand). Cytogenetic location: 11q13.2.
Variant type: single nucleotide variant.
Coding change: c.688A>G on transcript NM_006876.3 (MANE Select); coding-DNA position 688, A replaced by G.
Protein change: p.Met230Val; replaces methionine 230 with valine.
Molecular consequence: missense variant.
Genome position (GRCh38, 1-based): chr11:66,346,858, T>C on the plus strand (A>G on the coding strand, the complement: B4GAT1 is on the minus strand). VCF-style: chr11-66346858-T-C. GRCh37 (hg19) VCF-style: chr11-66114329-T-C.
Other names: short protein forms M230V.
Identifiers: ClinVar variation 580290 (VCV000580290.8), dbSNP rs774850290, ClinGen allele CA381417871.